The following is an entry in ClinVar:

ClinVar aggregate classification (germline): Pathogenic (1 of 4 stars; one submission).

Submission:

Quest Diagnostics Nichols Institute San Juan Capistrano
Classification: Pathogenic. Last evaluated: 2023-06-14. Review status: criteria provided, single submitter. Criteria: ACMG/ClinGen CNV Guidelines, 2019. Collection method: clinical testing. Allele origin: unknown.
Comment: The terminal deletion of 5p is consistent with the clinical diagnosis of Cri-du-chat syndrome (OMIM 123450). The severity of the phenotype varies, and there is some correlation between clinical features and the size of the deletion.

GRCh37/hg19 5p15.33-15.2(chr5:113577-11095056)x1

Genes: ADAMTS16 (ADAM metallopeptidase with thrombospondin type 1 motif 16; plus strand), ADCY2 (adenylate cyclase 2; plus strand), AHRR (aryl hydrocarbon receptor repressor; plus strand), ANKRD33B (ankyrin repeat domain 33B; plus strand), ATPSCKMT (ATP synthase c subunit lysine N-methyltransferase; minus strand) and 45 more. Cytogenetic location: 5p15.33-15.2.
Variant type: copy number loss.
Change: copy number 1 (one copy instead of two) of chr5:113,577-11,095,056 (10.98 Mb, GRCh37 coordinates, 1-based), cytogenetic band 5p15.33-15.2.
Identifiers: ClinVar variation 2685140 (VCV002685140.1).